The following is an entry in ClinVar:

ClinVar aggregate classification (germline): Uncertain significance (1 of 4 stars; one submission).

Conditions:
Sterile multifocal osteomyelitis with periostitis and pustulosis. Also called: CHRONIC RECURRENT MULTIFOCAL OSTEOMYELITIS 2, WITH PERIOSTITIS AND PUSTULOSIS. Identifiers: Orphanet 210115, MedGen C2748507, MONDO:0013021, OMIM 612852.

Allele frequency attached by ClinVar (database versions not stated): gnomAD exomes below 0.00001; gnomAD 0.00001.
gnomAD v4.1: 5 of 1,614,112 alleles (0.00031%); highest among the groups gnomAD compares: African/African-American, 0.0013%; no homozygotes.

Submission:

Labcorp Genetics (formerly Invitae), Labcorp
Classification: Uncertain significance for Sterile multifocal osteomyelitis with periostitis and pustulosis. Last evaluated: 2021-08-24. Review status: criteria provided, single submitter. Criteria: Invitae Variant Classification Sherloc (09022015). Collection method: clinical testing. Allele origin: germline.
Comment: This sequence change replaces glutamic acid with lysine at codon 167 of the IL1RN protein (p.Glu167Lys). The glutamic acid residue is moderately conserved and there is a small physicochemical difference between glutamic acid and lysine. This variant is not present in population databases (ExAC no frequency). This variant has not been reported in the literature in individuals affected with IL1RN-related conditions. Algorithms developed to predict the effect of missense changes on protein structure and function output the following: SIFT: "Tolerated"; PolyPhen-2: "Benign"; Align-GVGD: "Class C0". The lysine amino acid residue is found in multiple mammalian species, which suggests that this missense change does not adversely affect protein function. In summary, the available evidence is currently insufficient to determine the role of this variant in disease. Therefore, it has been classified as a Variant of Uncertain Significance.

NM_173842.3(IL1RN):c.490G>A (p.Glu164Lys)

Gene: IL1RN (interleukin 1 receptor antagonist; plus strand). Cytogenetic location: 2q14.1.
Variant type: single nucleotide variant.
Coding change: c.490G>A on transcript NM_173842.3 (MANE Select); coding-DNA position 490, G replaced by A.
Protein change: p.Glu164Lys; replaces glutamic acid 164 with lysine.
Molecular consequence: missense variant.
Genome position (GRCh38, 1-based): chr2:113,132,827, G>A. VCF-style: chr2-113132827-G-A. GRCh37 (hg19) VCF-style: chr2-113890404-G-A.
Other names: c.436G>A, p.Glu146Lys (NM_000577.5); c.388G>A, p.Glu130Lys (NM_001318914.2, NM_001379360.1, NM_173843.3); c.499G>A, p.Glu167Lys (NM_173841.3); short protein forms E130K, E146K, E164K, E167K.
Identifiers: ClinVar variation 1055014 (VCV001055014.6), dbSNP rs188868709, ClinGen allele CA348296302.